The following is an entry in ClinVar:

NM_002485.5(NBN):c.1905A>C (p.Lys635Asn)

Genes: NBN (nibrin; minus strand), LOC126860438 (MED14-independent group 3 enhancer GRCh37_chr8:90959982-90961181; plus strand). Cytogenetic location: 8q21.3.
Variant type: single nucleotide variant.
Coding change: c.1905A>C on transcript NM_002485.5 (MANE Select); coding-DNA position 1905, A replaced by C.
Protein change: p.Lys635Asn; replaces lysine 635 with asparagine.
Molecular consequence: missense variant.
Genome position (GRCh38, 1-based): chr8:89,947,833, T>G on the plus strand (A>C on the coding strand, the complement: NBN is on the minus strand). VCF-style: chr8-89947833-T-G. GRCh37 (hg19) VCF-style: chr8-90960061-T-G.
Other names: c.1659A>C, p.Lys553Asn (NM_001024688.3, NM_001440379.1, NM_001440380.1); short protein forms K635N, K553N.
Identifiers: ClinVar variation 5025366 (VCV005025366.1).

ClinVar aggregate classification (germline): Uncertain significance (1 of 4 stars; one submission).

Conditions:
Hereditary cancer-predisposing syndrome. Also called: Neoplastic Syndromes, Hereditary; Tumor predisposition; Hereditary neoplastic syndrome; Hereditary Cancer Syndrome. Identifiers: Orphanet 140162, MedGen C0027672, MeSH D009386, MONDO:0015356.

Submission:

Ambry Genetics
Classification: Uncertain significance for Hereditary cancer-predisposing syndrome. Last evaluated: 2026-06-22. Review status: criteria provided, single submitter. Criteria: Ambry Variant Classification Scheme 2023. Collection method: clinical testing. Allele origin: germline.
Comment: The p.K635N variant (also known as c.1905A>C), located in coding exon 12 of the NBN gene, results from an A to C substitution at nucleotide position 1905. The lysine at codon 635 is replaced by asparagine, an amino acid with similar properties. This amino acid position is conserved. In addition, this alteration is predicted to be tolerated by in silico analysis. Based on the available evidence, the clinical significance of this variant remains unclear.